The following is an entry in ClinVar:

NM_000466.3(PEX1):c.357+1G>C

Gene: PEX1 (peroxisomal biogenesis factor 1; minus strand). Cytogenetic location: 7q21.2.
Variant type: single nucleotide variant.
Coding change: c.357+1G>C on transcript NM_000466.3 (MANE Select); the canonical splice donor site of the intron after coding-DNA position 357, G replaced by C.
Molecular consequence: splice donor variant. On other transcripts: 5 prime UTR variant (1).
Genome position (GRCh38, 1-based): chr7:92,518,994, C>G on the plus strand (G>C on the coding strand, the complement: PEX1 is on the minus strand). VCF-style: chr7-92518994-C-G. GRCh37 (hg19) VCF-style: chr7-92148308-C-G.
Other names: c.-302G>C (NM_001282678.2); c.357+1G>C (NM_001282677.2).
Identifiers: ClinVar variation 1509482 (VCV001509482.8), dbSNP rs866144313, ClinGen allele CA368202817.
Genomic context (GRCh38, chr7:92,518,994, plus strand): 5'-ACATTGATATTGTGAAGTAATTTAACCTTAAATGAGATAGTTCTTATTTGGTTTTCTTTA[C>G]CAGTATCTCCCAATCATCTGCTGAGAGGGGTTCCACCTCAACTTGTTGACAAGATACCAC-3'

ClinVar aggregate classification (germline): Likely pathogenic (1 of 4 stars; one submission).

Conditions:
Zellweger spectrum disorders (ZS). Also called: Zellweger syndrome; Zellweger Spectrum Disorder (ZSD); Zellweger Spectrum Disorder; Zellweger Spectrum. Identifiers: Orphanet 912, MedGen C0043459, MONDO:0019609.

Submission:

Labcorp Genetics (formerly Invitae), Labcorp
Classification: Likely pathogenic for Zellweger spectrum disorders. Last evaluated: 2021-04-14. Review status: criteria provided, single submitter. Criteria: Invitae Variant Classification Sherloc (09022015). Collection method: clinical testing. Allele origin: germline.
Comment: This sequence change affects a donor splice site in intron 3 of the PEX1 gene. It is expected to disrupt RNA splicing. Variants that disrupt the donor or acceptor splice site typically lead to a loss of protein function (PMID: 16199547), and loss-of-function variants in PEX1 are known to be pathogenic (PMID: 9398847, 16086329, 16141001, 21031596, 26387595, 31831025). This variant is not present in population databases (ExAC no frequency). This variant has not been reported in the literature in individuals with PEX1-related conditions. Algorithms developed to predict the effect of sequence changes on RNA splicing suggest that this variant may disrupt the consensus splice site, but this prediction has not been confirmed by published transcriptional studies. In summary, the currently available evidence indicates that the variant is pathogenic, but additional data are needed to prove that conclusively. Therefore, this variant has been classified as Likely Pathogenic.

Literature cited by the submitters: PubMed 16199547; PubMed 9398847; PubMed 16086329; PubMed 16141001; PubMed 21031596; PubMed 26387595; PubMed 31831025.